The following is an entry in ClinVar:

NM_024120.5(NDUFAF5):c.531T>C (p.Ile177=)

Gene: NDUFAF5 (NADH:ubiquinone oxidoreductase complex assembly factor 5; plus strand). Cytogenetic location: 20p12.1.
Variant type: single nucleotide variant.
Coding change: c.531T>C on transcript NM_024120.5 (MANE Select); coding-DNA position 531, T replaced by C.
Protein change: p.Ile177=; no amino-acid change (isoleucine 177 retained).
Molecular consequence: synonymous variant. On other transcripts: 5 prime UTR variant (2), non-coding transcript variant (7).
Genome position (GRCh38, 1-based): chr20:13,801,497, T>C. VCF-style: chr20-13801497-T-C. GRCh37 (hg19) VCF-style: chr20-13782143-T-C.
Other names: p.Ile177=; c.447T>C, p.Ile149= (NM_001039375.3); c.60T>C, p.Ile20= (NM_001352403.2); c.-31T>C (NM_001352406.2, NM_001352407.2); c.531T>C, p.Ile177= (NM_001352408.2).
Identifiers: ClinVar variation 717045 (VCV000717045.15), dbSNP rs148689921, ClinGen allele CA9767805.
Genomic context (GRCh38, chr20:13,801,497, plus strand): 5'-TTATATATATAAAAATTTGAATCATTTTGTTTTCTTGTATTTATTACAGATTCATTATAT[T>C]TTAAAACCAGATGGAGTGTTTATCGGTGCAATGTTTGGAGGCGACACACTCTATGAACTT-3'
Protein context (NP_077025.2, residues 167-187): LPRALEQIHY[Ile177=]LKPDGVFIGA

ClinVar aggregate classification (germline): Benign/Likely benign. Review status: criteria provided, multiple submitters, no conflicts (2 of 4 stars). 4 submissions from 4 submitters: Benign (1); Likely benign (1). 2 of the submissions do not count toward it. Last evaluated 2026-01-20.

Conditions:
NDUFAF5-related disorder. Also called: NDUFAF5-related condition.
Leigh syndrome (NULS). Also called: Leigh Syndrome (mtDNA deletion); Leigh Disease; Subacute necrotizing encephalopathy; Necrotizing encephalopathy infantile subacute of Leigh; Leigh's necrotizing encephalopathy; Leigh's disease. Identifiers: Orphanet 506, MedGen C2931891, MONDO:0009723, OMIM 256000.

Allele frequency attached by ClinVar (database versions not stated): gnomAD exomes 0.00007 and 0.00019; ExAC 0.00034; 1000 Genomes Project 0.00060; gnomAD 0.00077 and 0.00083; 1000 Genomes Project 30x 0.00078; TOPMed 0.00087; ESP Exome Variant Server 0.00123.
gnomAD v4.1: 226 of 1,609,480 alleles (0.014%); highest among the groups gnomAD compares: African/African-American, 0.27%; no homozygotes.

Submissions (4):

Labcorp Genetics (formerly Invitae), Labcorp
Classification: Benign. Last evaluated: 2026-01-20. Review status: criteria provided, single submitter. Criteria: Invitae Variant Classification Sherloc (09022015). Collection method: clinical testing. Allele origin: germline.

Mayo Clinic Laboratories, Mayo Clinic
Classification: Likely benign. Last evaluated: 2024-12-30. Review status: criteria provided, single submitter. Criteria: ACMG Guidelines, 2015. Collection method: clinical testing. Allele origin: germline. Observed: 1 variant allele.
Comment: BP4, BP7

Natera, Inc.
Classification: Uncertain significance for Leigh syndrome. Last evaluated: 2020-06-30. Review status: no assertion criteria provided. Collection method: clinical testing. Allele origin: germline. Not counted in ClinVar's aggregate classification.

PreventionGenetics, part of Exact Sciences
Classification: Likely benign for NDUFAF5-related condition. Last evaluated: 2019-03-18. Review status: no assertion criteria provided. Collection method: clinical testing. Allele origin: germline. Not counted in ClinVar's aggregate classification.
Comment: This variant is classified as likely benign based on ACMG/AMP sequence variant interpretation guidelines (Richards et al. 2015 PMID: 25741868, with internal and published modifications).